The following is an entry in ClinVar:

ClinVar aggregate classification (germline): Uncertain significance. Review status: criteria provided, multiple submitters, no conflicts (2 of 4 stars). 2 submissions from 2 submitters: Uncertain significance (2). Last evaluated 2025-01-23.

Allele frequency attached by ClinVar (database versions not stated): TOPMed below 0.00001; gnomAD 0.00001; ExAC 0.00002; gnomAD exomes 0.00002.

Submissions (2):

Labcorp Genetics (formerly Invitae), Labcorp
Classification: Uncertain significance. Last evaluated: 2025-01-23. Review status: criteria provided, single submitter. Criteria: Invitae Variant Classification Sherloc (09022015). Collection method: clinical testing. Allele origin: germline.
Comment: This sequence change replaces glycine, which is neutral and non-polar, with arginine, which is basic and polar, at codon 856 of the FCHO1 protein (p.Gly856Arg). This variant is present in population databases (rs773887321, gnomAD 0.01%). This variant has not been reported in the literature in individuals affected with FCHO1-related conditions. ClinVar contains an entry for this variant (Variation ID: 2173192). An algorithm developed to predict the effect of missense changes on protein structure and function (PolyPhen-2) suggests that this variant is likely to be disruptive. In summary, the available evidence is currently insufficient to determine the role of this variant in disease. Therefore, it has been classified as a Variant of Uncertain Significance.

Ambry Genetics
Classification: Uncertain significance. Last evaluated: 2024-03-19. Review status: criteria provided, single submitter. Criteria: Ambry Variant Classification Scheme 2023. Collection method: clinical testing. Allele origin: germline.

NM_015122.3(FCHO1):c.2566G>A (p.Gly856Arg)

Gene: FCHO1 (FCH and mu domain containing endocytic adaptor 1; plus strand). Cytogenetic location: 19p13.11.
Variant type: single nucleotide variant.
Coding change: c.2566G>A on transcript NM_015122.3 (MANE Select); coding-DNA position 2566, G replaced by A.
Protein change: p.Gly856Arg; replaces glycine 856 with arginine.
Molecular consequence: missense variant. On other transcripts: non-coding transcript variant (36).
Genome position (GRCh38, 1-based): chr19:17,787,765, G>A. VCF-style: chr19-17787765-G-A. GRCh37 (hg19) VCF-style: chr19-17898574-G-A.
Other names: c.2366G>A, p.Gly789Glu (NM_001384391.1); c.2449G>A, p.Gly817Arg (NM_001384392.1, NM_001384393.1, NM_001384394.1 and 1 more transcripts); c.2290G>A, p.Gly764Arg (NM_001384396.1, NM_001384397.1, NM_001384398.1 and 4 more transcripts); c.2566G>A, p.Gly856Arg (NM_001161357.2, NM_001161358.2, NM_001384370.1 and 11 more transcripts); c.2416G>A, p.Gly806Arg (NM_001161359.2, NM_001384384.1, NM_001384385.1 and 1 more transcripts); c.2545G>A, p.Gly849Arg (NM_001384387.1); c.2527G>A, p.Gly843Arg (NM_001384388.1, NM_001384389.1); c.2491G>A, p.Gly831Arg (NM_001384390.1); and 6 more; short protein forms G555R, G697E, G749R, G849R, G732R, G764R, G817R, G831R.
Identifiers: ClinVar variation 2173192 (VCV002173192.4), dbSNP rs773887321, ClinGen allele CA9300925.